The following is an entry in ClinVar:

ClinVar aggregate classification (germline): Uncertain significance. Review status: criteria provided, multiple submitters, no conflicts (2 of 4 stars). 2 submissions from 2 submitters: Uncertain significance (2). Last evaluated 2023-11-27.

Conditions:
Progressive myoclonic epilepsy. Also called: Progressive myoclonus epilepsy; Familial progressive myoclonic epilepsy; Myoclonic Epilepsies, Progressive; Myoclonus epilepsy. Identifiers: Orphanet 308, Orphanet 98261, MedGen C0751778, MONDO:0020074.

Allele frequency attached by ClinVar (database versions not stated): gnomAD exomes 0.00001 and 0.00002; ExAC 0.00005; TOPMed 0.00009; gnomAD 0.00010; 1000 Genomes Project 30x 0.00016; 1000 Genomes Project 0.00020.
gnomAD v4.1: 28 of 1,614,110 alleles (0.0017%); highest among the groups gnomAD compares: African/African-American, 0.028%; no homozygotes.

Submissions (2):

GeneDx
Classification: Uncertain significance. Last evaluated: 2023-11-27. Review status: criteria provided, single submitter. Criteria: GeneDx Variant Classification Process June 2021. Collection method: clinical testing. Allele origin: germline. Affected: yes.
Comment: In silico analysis supports that this missense variant has a deleterious effect on protein structure/function; Has not been previously published as pathogenic or benign to our knowledge

Labcorp Genetics (formerly Invitae), Labcorp
Classification: Uncertain significance for Progressive myoclonic epilepsy. Last evaluated: 2022-10-25. Review status: criteria provided, single submitter. Criteria: Invitae Variant Classification Sherloc (09022015). Collection method: clinical testing. Allele origin: germline.
Comment: This sequence change replaces alanine, which is neutral and non-polar, with threonine, which is neutral and polar, at codon 49 of the CSTB protein (p.Ala49Thr). This variant is present in population databases (rs559906825, gnomAD 0.02%). This variant has not been reported in the literature in individuals affected with CSTB-related conditions. ClinVar contains an entry for this variant (Variation ID: 960423). Algorithms developed to predict the effect of missense changes on protein structure and function are either unavailable or do not agree on the potential impact of this missense change (SIFT: "Deleterious"; PolyPhen-2: "Probably Damaging"; Align-GVGD: "Class C0"). In summary, the available evidence is currently insufficient to determine the role of this variant in disease. Therefore, it has been classified as a Variant of Uncertain Significance.

NM_000100.4(CSTB):c.145G>A (p.Ala49Thr)

Gene: CSTB (cystatin B; minus strand). Cytogenetic location: 21q22.3.
Variant type: single nucleotide variant.
Coding change: c.145G>A on transcript NM_000100.4 (MANE Select); coding-DNA position 145, G replaced by A.
Protein change: p.Ala49Thr; replaces alanine 49 with threonine.
Molecular consequence: missense variant.
Genome position (GRCh38, 1-based): chr21:43,774,681, C>T on the plus strand (G>A on the coding strand, the complement: CSTB is on the minus strand). VCF-style: chr21-43774681-C-T. GRCh37 (hg19) VCF-style: chr21-45194562-C-T.
Other names: c.145G>A (NM_000100.2); short protein forms A49T.
Identifiers: ClinVar variation 960423 (VCV000960423.6), dbSNP rs559906825, ClinGen allele CA10048929.